The following is an entry in ClinVar:

ClinVar aggregate classification (germline): Benign/Likely benign. Review status: criteria provided, multiple submitters, no conflicts (2 of 4 stars). 6 submissions from 6 submitters: Benign (3); Likely benign (2). 1 of the submissions does not count toward it. Last evaluated 2026-01-26.

Conditions:
Inborn genetic diseases. Identifiers: MedGen C0950123, MeSH D030342.
DYNC1H1-related disorder. Also called: DYNC1H1-related condition; DYNC1H1-related disorders. Identifiers: MedGen CN381529.
Charcot-Marie-Tooth disease. Also called: Charcot-Marie-Tooth Neuropathy; Charcot-Marie-Tooth Hereditary Neuropathy. Identifiers: Orphanet 166, MedGen C0007959, MONDO:0015626.
Charcot-Marie-Tooth disease axonal type 2O. Also called: CHARCOT-MARIE-TOOTH NEUROPATHY, AXONAL, TYPE 2O; CHARCOT-MARIE-TOOTH DISEASE, AXONAL, AUTOSOMAL DOMINANT, TYPE 2O; Charcot-Marie-Tooth Neuropathy Type 2O; Charcot-Marie-Tooth disease, axonal, type 20. Identifiers: Orphanet 284232, MedGen C3280220, MONDO:0013644, OMIM 614228.

Allele frequency attached by ClinVar (database versions not stated): gnomAD exomes 0.00005 and 0.00010; ExAC 0.00013; gnomAD 0.00042 and 0.00046; TOPMed 0.00052; 1000 Genomes Project 0.00060; 1000 Genomes Project 30x 0.00078; ESP Exome Variant Server 0.00085.
gnomAD v4.1: 140 of 1,614,094 alleles (0.0087%); highest among the groups gnomAD compares: African/African-American, 0.17%; 1 homozygote.

Submissions (6):

Labcorp Genetics (formerly Invitae), Labcorp
Classification: Benign for Charcot-Marie-Tooth disease axonal type 2O. Last evaluated: 2026-01-26. Review status: criteria provided, single submitter. Criteria: Invitae Variant Classification Sherloc (09022015). Collection method: clinical testing. Allele origin: germline.

GeneDx
Classification: Benign. Last evaluated: 2020-03-25. Review status: criteria provided, single submitter. Criteria: GeneDx Variant Classification Process June 2021. Collection method: clinical testing. Allele origin: germline. Affected: yes.

Ambry Genetics
Classification: Benign for Inborn genetic diseases. Last evaluated: 2019-08-08. Review status: criteria provided, single submitter. Criteria: Ambry Variant Classification Scheme 2023. Collection method: clinical testing. Allele origin: germline.

Genetic Services Laboratory, University of Chicago
Classification: Likely benign. Last evaluated: 2015-10-20. Review status: criteria provided, single submitter. Criteria: ACMG Guidelines, 2015. Collection method: clinical testing. Allele origin: germline. Affected: no.

Molecular Genetics Laboratory, London Health Sciences Centre
Classification: Likely benign for Charcot-Marie-Tooth disease. Review status: criteria provided, single submitter. Criteria: ACMG Guidelines, 2015. Collection method: clinical testing. Allele origin: germline. Affected: yes.

PreventionGenetics, part of Exact Sciences
Classification: Likely benign for DYNC1H1-related condition. Last evaluated: 2019-06-18. Review status: no assertion criteria provided. Collection method: clinical testing. Allele origin: germline. Not counted in ClinVar's aggregate classification.
Comment: This variant is classified as likely benign based on ACMG/AMP sequence variant interpretation guidelines (Richards et al. 2015 PMID: 25741868, with internal and published modifications).

NM_001376.5(DYNC1H1):c.6762C>T (p.Ile2254=)

Gene: DYNC1H1 (dynein cytoplasmic 1 heavy chain 1; plus strand). Cytogenetic location: 14q32.31.
Variant type: single nucleotide variant.
Coding change: c.6762C>T on transcript NM_001376.5 (MANE Select); coding-DNA position 6762, C replaced by T.
Protein change: p.Ile2254=; no amino-acid change (isoleucine 2254 retained).
Molecular consequence: synonymous variant.
Genome position (GRCh38, 1-based): chr14:102,012,018, C>T. VCF-style: chr14-102012018-C-T. GRCh37 (hg19) VCF-style: chr14-102478355-C-T.
Identifiers: ClinVar variation 434973 (VCV000434973.22), dbSNP rs150603103, ClinGen allele CA7352673.